The following is an entry in ClinVar:

ClinVar aggregate classification (germline): Conflicting classifications of pathogenicity. Review status: criteria provided, conflicting classifications (1 of 4 stars). 8 submissions from 8 submitters: Uncertain significance (6); Likely benign (2). Last evaluated 2025-08-24.

Conditions:
Inborn genetic diseases. Identifiers: MedGen C0950123, MeSH D030342.
Joubert syndrome. Also called: Familial aplasia of the vermis; JOUBERT-BOLTSHAUSER SYNDROME. Identifiers: Orphanet 475, MedGen C5979921, MONDO:0018772.
Meckel-Gruber syndrome. Also called: DYSENCEPHALIA SPLANCHNOCYSTICA; Dysencephalia splachnocystica; GRUBER SYNDROME. Identifiers: Orphanet 564, MedGen C0265215, MONDO:0018921.
Joubert syndrome 13 (JBTS13). Identifiers: Orphanet 475, MedGen C3280031, MONDO:0013608, OMIM 614173.

Allele frequency attached by ClinVar (database versions not stated): ExAC 0.00038; gnomAD exomes 0.00046 and 0.00091; TOPMed 0.00046; gnomAD 0.00051 and 0.00052; 1000 Genomes Project 30x 0.00062; ESP Exome Variant Server 0.00070; 1000 Genomes Project 0.00080.
gnomAD v4.1: 1,414 of 1,614,208 alleles (0.088%); highest among the groups gnomAD compares: Middle Eastern, 0.16%; 1 homozygote.

Submissions (8):

Ambry Genetics
Classification: Uncertain significance for Inborn genetic diseases. Last evaluated: 2025-08-24. Review status: criteria provided, single submitter. Criteria: Ambry Variant Classification Scheme 2023. Collection method: clinical testing. Allele origin: germline.

CeGaT Center for Human Genetics Tuebingen
Classification: Likely benign. Last evaluated: 2024-12-01. Review status: criteria provided, single submitter. Criteria: CeGaT Center For Human Genetics Tuebingen Variant Classification Criteria Version 2. Collection method: clinical testing. Allele origin: germline. Affected: yes. Observed: 1 variant allele.
Comment: TCTN1: BP4

Blueprint Genetics
Classification: Likely benign. Last evaluated: 2024-09-06. Review status: criteria provided, single submitter. Criteria: ACMG Guidelines, 2015. Collection method: clinical testing. Allele origin: germline.

Department of Pathology and Laboratory Medicine, Sinai Health System
Classification: Uncertain significance for Joubert syndrome 13. Last evaluated: 2023-08-28. Review status: criteria provided, single submitter. Criteria: ACMG Guidelines, 2015. Collection method: research. Allele origin: germline.

Labcorp Genetics (formerly Invitae), Labcorp
Classification: Uncertain significance for Joubert syndrome; Meckel-Gruber syndrome. Last evaluated: 2022-10-17. Review status: criteria provided, single submitter. Criteria: Invitae Variant Classification Sherloc (09022015). Collection method: clinical testing. Allele origin: germline.
Comment: This sequence change replaces valine, which is neutral and non-polar, with isoleucine, which is neutral and non-polar, at codon 312 of the TCTN1 protein (p.Val312Ile). This variant is present in population databases (rs118057448, gnomAD 0.08%), and has an allele count higher than expected for a pathogenic variant. This variant has not been reported in the literature in individuals affected with TCTN1-related conditions. ClinVar contains an entry for this variant (Variation ID: 198764). Advanced modeling of protein sequence and biophysical properties (such as structural, functional, and spatial information, amino acid conservation, physicochemical variation, residue mobility, and thermodynamic stability) performed at Invitae indicates that this missense variant is not expected to disrupt TCTN1 protein function. In summary, the available evidence is currently insufficient to determine the role of this variant in disease. Therefore, it has been classified as a Variant of Uncertain Significance.

Illumina Laboratory Services, Illumina
Classification: Uncertain significance for Joubert syndrome 13. Last evaluated: 2018-01-12. Review status: criteria provided, single submitter. Criteria: ICSL Variant Classification Criteria 13 December 2019. Collection method: clinical testing. Allele origin: germline.

Eurofins Ntd Llc (ga)
Classification: Uncertain significance. Last evaluated: 2014-12-10. Review status: criteria provided, single submitter. Criteria: EGL Classification Definitions 2015. Collection method: clinical testing. Allele origin: germline. Observed: 1 variant allele, 1 heterozygote.

Breakthrough Genomics
Classification: Uncertain significance. Review status: criteria provided, single submitter. Criteria: ACMG Guidelines, 2015. Collection method: not provided. Allele origin: germline. Inheritance: Autosomal recessive inheritance. Affected: yes.

NM_001082538.3(TCTN1):c.934G>A (p.Val312Ile)

Gene: TCTN1 (tectonic family member 1; plus strand). Cytogenetic location: 12q24.11.
Variant type: single nucleotide variant.
Coding change: c.934G>A on transcript NM_001082538.3 (MANE Select); coding-DNA position 934, G replaced by A.
Protein change: p.Val312Ile; replaces valine 312 with isoleucine.
Molecular consequence: missense variant. On other transcripts: non-coding transcript variant (1).
Genome position (GRCh38, 1-based): chr12:110,640,473, G>A. VCF-style: chr12-110640473-G-A. GRCh37 (hg19) VCF-style: chr12-111078278-G-A.
Other names: c.934G>A, p.Val312Ile (NM_001082537.3, NM_001319680.2); c.766G>A, p.Val256Ile (NM_001173975.3); c.754G>A, p.Val252Ile (NM_001173976.2); c.400G>A, p.Val134Ile (NM_001319681.2); c.892G>A, p.Val298Ile (NM_024549.6); short protein forms V298I, V312I, V134I, V256I, V252I.
Identifiers: ClinVar variation 198764 (VCV000198764.30), dbSNP rs118057448, ClinGen allele CA247572.
Genomic context (GRCh38, chr12:110,640,473, plus strand): 5'-CAGTCTCTAAATAAAACGCTCACCCGACGGGAGGACACTGATGTGCTGCAGCCGACTCTC[G>A]TCAACGCTGGACACTTTAGCCTTTGCGTGAATGTTGTTCTTGAGGTAGGTGCCGAGTTTG-3'
Protein context (NP_001076007.1, residues 302-322): EDTDVLQPTL[Val312Ile]NAGHFSLCVN